The following is an entry in ClinVar:

NC_000007.14:g.156764267C>T

Genes: LMBR1 (limb development membrane protein 1; minus strand), SHH (sonic hedgehog signaling molecule; minus strand). Cytogenetic location: 7q36.3.
Variant type: single nucleotide variant.
Molecular consequence: intron variant (on NM_022458.4).
Genome position: GRCh38 VCF-style: chr7-156764267-C-T. GRCh37 (hg19) VCF-style: chr7-156556961-C-T.
Other names: c.55-472G>A (NM_001350957.2, NM_001363411.2); c.-33-472G>A (NM_001350955.2, NM_001363413.2, NM_001350958.2 and 1 more transcripts); c.361-472G>A (NM_001363412.2); c.145-472G>A (NM_001350954.2); c.424-472G>A (NM_001363410.2, NM_022458.4, NM_001363409.2 and 1 more transcripts).
Identifiers: ClinVar variation 2874568 (VCV002874568.3), dbSNP rs951102433, ClinGen allele CA169820384.

ClinVar aggregate classification (germline): Uncertain significance (1 of 4 stars; one submission).

Conditions:
Holoprosencephaly 3 (HPE3). Identifiers: Orphanet 2162, MedGen C1840529, MONDO:0007733, OMIM 142945.

Allele frequency attached by ClinVar (database versions not stated): gnomAD 0.00003; TOPMed 0.00003.
gnomAD v4.1: 5 of 152,094 alleles (0.0033%); highest among the groups gnomAD compares: Non-Finnish European, 0.0059%; no homozygotes.

Submission:

Labcorp Genetics (formerly Invitae), Labcorp
Classification: Uncertain significance for Holoprosencephaly 3. Last evaluated: 2022-09-12. Review status: criteria provided, single submitter. Criteria: Invitae Variant Classification Sherloc (09022015). Collection method: clinical testing. Allele origin: germline.
Comment: This variant occurs in a non-coding region of the SHH gene. It does not change the encoded amino acid sequence of the SHH protein. This variant is present in population databases (no rsID available, gnomAD 0.01%). This variant has not been reported in the literature in individuals affected with SHH-related conditions. Experimental studies and prediction algorithms are not available or were not evaluated, and the effect of this variant on mRNA splicing is currently unknown. In summary, the available evidence is currently insufficient to determine the role of this variant in disease. Therefore, it has been classified as a Variant of Uncertain Significance.